The following is an entry in ClinVar:

ClinVar aggregate classification (germline): Uncertain significance (1 of 4 stars; one submission).

Submission:

Ambry Genetics
Classification: Uncertain significance. Last evaluated: 2026-04-06. Review status: criteria provided, single submitter. Criteria: Ambry Variant Classification Scheme 2023. Collection method: clinical testing. Allele origin: germline.
Comment: The c.416G>A (p.R139Q) alteration is located in exon 4 (coding exon 4) of the EIF5A gene. This alteration results from a G to A substitution at nucleotide position 416, causing the arginine (R) at amino acid position 139 to be replaced by a glutamine (Q). This variant was not reported in population-based cohorts in the Genome Aggregation Database (gnomAD). This variant was reported as a de novo occurrence in an individual with abnormalities of the external ear, abnormal face shape, brachycephaly, generalized hypotonia, global developmental delay, and joint laxity (DECIPHER). Other variant(s) at the same codon, c.415C>G (p.R139G), have been identified in individual(s) with features consistent with Faundes-Banka syndrome (Faundes, 2021). Note, the variant at the same codon is also referred to as c.325C>G (p.R109G) in the literature. This amino acid position is highly conserved in available vertebrate species. The in silico prediction for this alteration is inconclusive. Based on insufficient or conflicting evidence, the clinical significance of this alteration remains unclear.

Literature cited by the submitters: PubMed 33547280; PubMed 35982159.

NM_001970.5(EIF5A):c.326G>A (p.Arg109Gln)

Gene: EIF5A (eukaryotic translation initiation factor 5A; plus strand). Cytogenetic location: 17p13.1.
Variant type: single nucleotide variant.
Coding change: c.326G>A on transcript NM_001970.5 (MANE Select); coding-DNA position 326, G replaced by A.
Protein change: p.Arg109Gln; replaces arginine 109 with glutamine.
Molecular consequence: missense variant.
Genome position (GRCh38, 1-based): chr17:7,311,405, G>A. VCF-style: chr17-7311405-G-A. GRCh37 (hg19) VCF-style: chr17-7214724-G-A.
Other names: c.416G>A, p.Arg139Gln (NM_001143760.1); c.326G>A, p.Arg109Gln (NM_001143761.1, NM_001143762.2, NM_001370420.1 and 1 more transcripts); short protein forms R109Q, R139Q.
Identifiers: ClinVar variation 4870347 (VCV004870347.1).
Genomic context (GRCh38, chr17:7,311,405, plus strand): 5'-CCCAGCTGATTGGCATCCAGGATGGGTACCTATCACTGCTCCAGGACAGCGGGGAGGTAC[G>A]AGAGGACCTTCGTCTCCCTGAGGGAGACCTTGGCAAGGAGATTGAGCAGAAGTACGACTG-3'
Protein context (NP_001961.1, residues 99-119): LSLLQDSGEV[Arg109Gln]EDLRLPEGDL